The following is an entry in ClinVar:

NM_012469.4(PRPF6):c.71+7C>T

Genes: PRPF6 (pre-mRNA processing factor 6; plus strand), LOC130066413 (ATAC-STARR-seq lymphoblastoid silent region 13198; plus strand). Cytogenetic location: 20q13.33.
Variant type: single nucleotide variant.
Coding change: c.71+7C>T on transcript NM_012469.4 (MANE Select); 7 bases into the intron after coding-DNA position 71, C replaced by T.
Molecular consequence: intron variant.
Genome position (GRCh38, 1-based): chr20:63,981,323, C>T. VCF-style: chr20-63981323-C-T. GRCh37 (hg19) VCF-style: chr20-62612676-C-T.
Identifiers: ClinVar variation 961154 (VCV000961154.8), dbSNP rs765653532, ClinGen allele CA636383290.

ClinVar aggregate classification (germline): Uncertain significance (1 of 4 stars; one submission).

Allele frequency attached by ClinVar (database versions not stated): gnomAD 0.00001 and 0.00002.
gnomAD v4.1: 12 of 1,577,626 alleles (0.00076%); highest among the groups gnomAD compares: Middle Eastern, 0.017%; no homozygotes.

Submission:

Labcorp Genetics (formerly Invitae), Labcorp
Classification: Uncertain significance. Last evaluated: 2021-11-15. Review status: criteria provided, single submitter. Criteria: Invitae Variant Classification Sherloc (09022015). Collection method: clinical testing. Allele origin: germline.
Comment: This sequence change falls in intron 1 of the PRPF6 gene. It does not directly change the encoded amino acid sequence of the PRPF6 protein. The frequency data for this variant in the population databases is considered unreliable, as metrics indicate poor data quality at this position in the gnomAD database. In summary, the available evidence is currently insufficient to determine the role of this variant in disease. Therefore, it has been classified as a Variant of Uncertain Significance. Algorithms developed to predict the effect of sequence changes on RNA splicing suggest that this variant may create or strengthen a splice site. ClinVar contains an entry for this variant (Variation ID: 961154). This variant has not been reported in the literature in individuals affected with PRPF6-related conditions.